The following is an entry in ClinVar:

ClinVar aggregate classification (germline): Uncertain significance (1 of 4 stars; one submission).

Conditions:
Netherton syndrome (NETH). Also called: NETHERTON DISEASE; ERYTHRODERMA, ICHTHYOSIFORM, WITH HYPOTRICHOSIS AND HYPER-IgE; COMEL-NETHERTON SYNDROME. Identifiers: Orphanet 634, MedGen C5574950, MONDO:0009735, OMIM 256500.

Allele frequency attached by ClinVar (database versions not stated): TOPMed below 0.00001; ExAC 0.00002.
gnomAD v4.1: 12 of 1,611,898 alleles (0.00074%); highest among the groups gnomAD compares: African/African-American, 0.0013%; no homozygotes.

Submission:

Labcorp Genetics (formerly Invitae), Labcorp
Classification: Uncertain significance for Ichthyosis linearis circumflexa. Last evaluated: 2022-07-26. Review status: criteria provided, single submitter. Criteria: Invitae Variant Classification Sherloc (09022015). Collection method: clinical testing. Allele origin: germline.
Comment: This sequence change replaces isoleucine, which is neutral and non-polar, with valine, which is neutral and non-polar, at codon 110 of the SPINK5 protein (p.Ile110Val). This variant is present in population databases (rs772706833, gnomAD 0.003%). This variant has not been reported in the literature in individuals affected with SPINK5-related conditions. Algorithms developed to predict the effect of missense changes on protein structure and function output the following: SIFT: "Tolerated"; PolyPhen-2: "Benign"; Align-GVGD: "Class C0". The valine amino acid residue is found in multiple mammalian species, which suggests that this missense change does not adversely affect protein function. In summary, the available evidence is currently insufficient to determine the role of this variant in disease. Therefore, it has been classified as a Variant of Uncertain Significance.

NM_006846.4(SPINK5):c.328A>G (p.Ile110Val)

Gene: SPINK5 (serine peptidase inhibitor Kazal type 5; plus strand). Cytogenetic location: 5q32.
Variant type: single nucleotide variant.
Coding change: c.328A>G on transcript NM_006846.4 (MANE Select); coding-DNA position 328, A replaced by G.
Protein change: p.Ile110Val; replaces isoleucine 110 with valine.
Molecular consequence: missense variant.
Genome position (GRCh38, 1-based): chr5:148,086,450, A>G. VCF-style: chr5-148086450-A-G. GRCh37 (hg19) VCF-style: chr5-147466013-A-G.
Other names: c.328A>G, p.Ile110Val (NM_001127698.2, NM_001127699.2); short protein forms I110V.
Identifiers: ClinVar variation 1991347 (VCV001991347.1), dbSNP rs772706833, ClinGen allele CA3495182.